The following is an entry in ClinVar:

NM_001386298.1(CIC):c.4604del (p.Asn1535fs)

Gene: CIC (capicua transcriptional repressor; plus strand). Cytogenetic location: 19q13.2.
Variant type: Deletion.
Coding change: c.4604del on transcript NM_001386298.1 (MANE Select); coding-DNA position 4604, one base deleted (A; older notation c.4604delA).
Protein change: p.Asn1535fs; shifts the reading frame from asparagine 1535.
Molecular consequence: frameshift variant.
Genome position (GRCh38, 1-based): chr19:42,290,645, A deleted; the last of 3 consecutive A bases (chr19:42,290,643-42,290,645); deleting any one gives the same sequence. VCF-style (leftmost placement, unchanged base first): chr19-42290642-GA-G. GRCh37 (hg19) VCF-style: chr19-42794794-GA-G.
Other names: c.1877del, p.Asn626fs (NM_015125.5, NM_001379484.1, NM_001379485.1); c.4604del, p.Asn1535fs (NM_001304815.2, NM_001379480.1, NM_001379482.1); short protein forms N1535fs, N626fs.
Identifiers: ClinVar variation 3772515 (VCV003772515.13).
Genomic context (GRCh38, chr19:42,290,642, plus strand): 5'-GTGTGGGTGGCCTGGAGCCACCAGGCCCCTCAGTCATCGCGGCCCCTCCCAGCGGAGGAG[GA>G]AACATCCTGCAGACACTGGTGCTGCCCCCAAACAAGGAGGAGCAAGAGGGCGGCGGAGCC-3'

ClinVar aggregate classification (germline): Pathogenic (1 of 4 stars; one submission).

Submission:

CeGaT Center for Human Genetics Tuebingen
Classification: Pathogenic. Last evaluated: 2025-06-01. Review status: criteria provided, single submitter. Criteria: CeGaT Center For Human Genetics Tuebingen Variant Classification Criteria Version 2. Collection method: clinical testing. Allele origin: germline. Affected: yes. Observed: 3 variant alleles.
Comment: CIC: PVS1, PM2